The following is an entry in ClinVar:

ClinVar aggregate classification (germline): Pathogenic (1 of 4 stars; one submission).

Conditions:
Hereditary breast ovarian cancer syndrome. Also called: Hereditary breast and ovarian cancer syndrome; Hereditary breast and/or ovarian cancer syndrome; Hereditary breast and ovarian cancer syndrome (HBOC); Breast and ovarian cancer; BRCA1- and BRCA2-Associated Hereditary Breast and Ovarian Cancer; Hereditary breast and ovarian cancer. Identifiers: Orphanet 145, MedGen C0677776, MeSH D061325, MONDO:0003582. Disease mechanism: loss of function.

Submission:

Labcorp Genetics (formerly Invitae), Labcorp
Classification: Pathogenic for Hereditary breast ovarian cancer syndrome. Last evaluated: 2023-04-06. Review status: criteria provided, single submitter. Criteria: Invitae Variant Classification Sherloc (09022015). Collection method: clinical testing. Allele origin: germline.
Comment: For these reasons, this variant has been classified as Pathogenic. This variant has not been reported in the literature in individuals affected with BRCA2-related conditions. This variant is a gross deletion of the genomic region encompassing exon(s) 4-18 of the BRCA2 gene. This deletion is out-of-frame, and is expected to create a premature termination codon and result in an absent or disrupted protein product. Loss-of-function variants in BRCA2 are known to be pathogenic (PMID: 20104584).

Literature cited by the submitters: PubMed 20104584.

NC_000013.11:g.(?_32325056)_(32363553_?)del

Gene: BRCA2 (BRCA2 DNA repair associated; plus strand). Cytogenetic location: 13q13.1.
Variant type: Deletion.
Identifiers: ClinVar variation 584115 (VCV000584115.8).